The following is an entry in ClinVar:

NM_006361.6(HOXB13):c.783C>A (p.Thr261=)

Gene: HOXB13 (homeobox B13; minus strand). Cytogenetic location: 17q21.32.
Variant type: single nucleotide variant.
Coding change: c.783C>A on transcript NM_006361.6 (MANE Select); coding-DNA position 783, C replaced by A.
Protein change: p.Thr261=; no amino-acid change (threonine 261 retained).
Molecular consequence: synonymous variant.
Genome position (GRCh38, 1-based): chr17:48,726,862, G>T on the plus strand (C>A on the coding strand, the complement: HOXB13 is on the minus strand). VCF-style: chr17-48726862-G-T. GRCh37 (hg19) VCF-style: chr17-46804224-G-T.
Identifiers: ClinVar variation 827281 (VCV000827281.17), dbSNP rs1249659597, ClinGen allele CA500499447.

ClinVar aggregate classification (germline): Conflicting classifications of pathogenicity. Review status: criteria provided, conflicting classifications (1 of 4 stars). 5 submissions from 5 submitters: Uncertain significance (1); Benign (1); Likely benign (2). 1 of the submissions does not count toward it. Last evaluated 2026-01-25.

Conditions:
Prostate cancer, hereditary, 9 (HPC9). Identifiers: Orphanet 1331, MedGen C1970250, MONDO:0012597, OMIM 610997.
HOXB13-related disorder. Also called: HOXB13-related condition; HOXB13-related disorders.
Hereditary cancer-predisposing syndrome. Also called: Neoplastic Syndromes, Hereditary; Tumor predisposition; Hereditary neoplastic syndrome; Hereditary Cancer Syndrome. Identifiers: Orphanet 140162, MedGen C0027672, MeSH D009386, MONDO:0015356.

Allele frequency attached by ClinVar (database versions not stated): gnomAD exomes 0.00001.

Submissions (5):

Labcorp Genetics (formerly Invitae), Labcorp
Classification: Likely benign. Last evaluated: 2026-01-25. Review status: criteria provided, single submitter. Criteria: Invitae Variant Classification Sherloc (09022015). Collection method: clinical testing. Allele origin: germline.

Myriad Genetics, Inc.
Classification: Benign for Prostate cancer, hereditary, 9. Last evaluated: 2024-10-31. Review status: criteria provided, single submitter. Criteria: Myriad Autosomal Dominant, Autosomal Recessive and X-Linked Classification Criteria (2023). Collection method: clinical testing. Allele origin: unknown.
Comment: This variant is considered benign. This variant is a silent/synonymous amino acid change and it is not expected to impact splicing.

GeneDx
Classification: Uncertain significance. Last evaluated: 2024-07-17. Review status: criteria provided, single submitter. Criteria: GeneDx Variant Classification Process June 2021. Collection method: clinical testing. Allele origin: germline. Affected: yes.
Comment: Not observed at significant frequency in large population cohorts (gnomAD); In silico analysis indicates that this variant does not alter splicing; Has not been previously published as pathogenic or benign to our knowledge

Ambry Genetics
Classification: Likely benign for Hereditary cancer-predisposing syndrome. Last evaluated: 2018-06-12. Review status: criteria provided, single submitter. Criteria: Ambry Variant Classification Scheme 2023. Collection method: clinical testing. Allele origin: germline.

PreventionGenetics, part of Exact Sciences
Classification: Likely benign for HOXB13-related condition. Last evaluated: 2023-08-14. Review status: no assertion criteria provided. Collection method: clinical testing. Allele origin: germline. Not counted in ClinVar's aggregate classification.
Comment: This variant is classified as likely benign based on ACMG/AMP sequence variant interpretation guidelines (Richards et al. 2015 PMID: 25741868, with internal and published modifications).